The following is an entry in ClinVar:

NM_024596.5(MCPH1):c.2145G>A (p.Trp715Ter)

Genes: ANGPT2 (angiopoietin 2; minus strand), MCPH1 (microcephalin 1; plus strand). Cytogenetic location: 8p23.1.
Variant type: single nucleotide variant.
Coding change: c.2145G>A on transcript NM_024596.5 (MANE Select); coding-DNA position 2145, G replaced by A.
Protein change: p.Trp715Ter; replaces tryptophan 715 with a stop codon.
Molecular consequence: nonsense. On other transcripts: 3 prime UTR variant (6), intron variant (1).
Genome position (GRCh38, 1-based): chr8:6,499,860, G>A. VCF-style: chr8-6499860-G-A. GRCh37 (hg19) VCF-style: chr8-6357381-G-A.
Other names: c.*3241C>T (NM_001118887.2, NM_001118888.2, NM_001147.3 and 1 more transcripts); c.*3389C>T (NM_001386336.1, NM_001386337.1); c.2145G>A, p.Trp715Ter (NM_001322042.2, NM_001363979.1, NM_001410916.1 and 1 more transcripts); c.1935+44608G>A (NM_001363980.2); short protein forms W715*.
Identifiers: ClinVar variation 285523 (VCV000285523.32), dbSNP rs201599657, ClinGen allele CA4610837.

ClinVar aggregate classification (germline): Conflicting classifications of pathogenicity. Review status: criteria provided, conflicting classifications (1 of 4 stars). 12 submissions from 12 submitters: Pathogenic (3); Likely pathogenic (5); Uncertain significance (2). 2 of the submissions do not count toward it. Last evaluated 2026-03-03.

Conditions:
Microcephaly 1, primary, autosomal recessive (MCPH1). Also called: PREMATURE CHROMOSOME CONDENSATION SYNDROME; PCC SYNDROME; PREMATURE CHROMOSOME CONDENSATION WITH MICROCEPHALY AND MENTAL RETARDATION. Identifiers: Orphanet 2512, MedGen C1855081, MONDO:0009617, OMIM 251200.
MCPH1-related disorder. Also called: MCPH1-related condition.
Intellectual disability. Also called: Intellectual functioning disability; Intellectual developmental disorder; intellectual disabilities. Identifiers: MedGen C3714756, MeSH D008607, MONDO:0001071, HP:0001249.

Allele frequency attached by ClinVar (database versions not stated): ExAC 0.00008; gnomAD exomes 0.00011 and 0.00023; gnomAD 0.00013; TOPMed 0.00014; ESP Exome Variant Server 0.00025.
gnomAD v4.1: 356 of 1,613,020 alleles (0.022%); highest among the groups gnomAD compares: Non-Finnish European, 0.028%; no homozygotes.

Submissions (12):

Women's Health and Genetics/Laboratory Corporation of America, LabCorp
Classification: Uncertain significance. Last evaluated: 2026-03-03. Review status: criteria provided, single submitter. Criteria: LabCorp Variant Classification Summary - May 2015. Collection method: clinical testing. Allele origin: germline.
Comment: Variant summary: MCPH1 c.2145G>A (p.Trp715X) results in a premature termination codon, predicted to cause a truncation of the encoded protein or absence of the protein due to nonsense mediated decay, which are commonly known mechanisms for disease. The variant allele was found at a frequency of 0.00011 in 249568 control chromosomes. This frequency is not significantly higher than estimated for disease-causing variants in MCPH1, allowing no conclusion about variant significance. c.2145G>A has been observed in an individual with a neurodevelopmental disability and transposition of great arteries (example: Blue_2022). This report does not provide unequivocal conclusions about association of the variant with Primary microcephaly. To our knowledge, no experimental evidence demonstrating an impact on protein function has been reported. The following publication has been ascertained in the context of this evaluation (PMID: 34670123). ClinVar contains an entry for this variant (Variation ID: 285523). Based on the evidence outlined above, the variant was classified as uncertain significance.

Otogenetics
Classification: Likely pathogenic for Microcephaly 1, primary, autosomal recessive. Last evaluated: 2026-02-07. Review status: criteria provided, single submitter. Criteria: ACMG Guidelines, 2015. Collection method: clinical testing. Allele origin: germline.
Comment: PVS1: Stop gain variant introduces premature stop codon in gene with loss of function as mechanism of disease, predicted to undergo NMD; PM2: Maximum gnomAD MAF of 0.0241% in European-Non Finnish (NFE) subpopulation (<0.244% threshold)

Dasa
Classification: Likely pathogenic. Last evaluated: 2026-01-03. Review status: criteria provided, single submitter. Criteria: DASA Assertion Criteria. Collection method: clinical testing. Allele origin: germline.
Comment: NM_024596.5(MCPH1):c.2145G>A (p.Trp715Ter) introduces a premature termination codon predicted to result in loss of normal protein function. Loss-of-function is an established mechanism of disease for this gene. The variant is present at low frequency in population datasets. Based on the available data, this variant is classified as likely pathogenic.

GeneDx
Classification: Pathogenic. Last evaluated: 2024-12-04. Review status: criteria provided, single submitter. Criteria: GeneDx Variant Classification Process June 2021. Collection method: clinical testing. Allele origin: germline. Affected: yes.
Comment: Identified in a patient with transposition of great arteries and others with unspecified cardiovascular disease in published literature, though no individuals were reported to have non-cardiological features (PMID: 31345219; PMID: 34670123); Nonsense variant predicted to result in protein truncation or nonsense mediated decay in a gene for which loss of function is a known mechanism of disease; Truncating variants in this gene are considered pathogenic by a well-established clinical consortium and/or database; Not observed at significant frequency in large population cohorts (gnomAD); This variant is associated with the following publications: (PMID: 34670123, 34759951, 31345219)

Labcorp Genetics (formerly Invitae), Labcorp
Classification: Uncertain significance. Last evaluated: 2024-11-05. Review status: criteria provided, single submitter. Criteria: Invitae Variant Classification Sherloc (09022015). Collection method: clinical testing. Allele origin: germline.
Comment: This sequence change creates a premature translational stop signal (p.Trp715*) in the MCPH1 gene. However, it is currently unclear if variants that occur in this region of the gene cause disease. This variant is present in population databases (rs201599657, gnomAD 0.03%). This premature translational stop signal has been observed in individual(s) with MCPH1-related conditions (PMID: 34670123). ClinVar contains an entry for this variant (Variation ID: 285523). In summary, the available evidence is currently insufficient to determine the role of this variant in disease. Therefore, it has been classified as a Variant of Uncertain Significance.

Fulgent Genetics
Classification: Likely pathogenic for Microcephaly 1, primary, autosomal recessive. Last evaluated: 2024-05-14. Review status: criteria provided, single submitter. Criteria: ACMG Guidelines, 2015. Collection method: clinical testing. Allele origin: germline.

Department of Pathology and Laboratory Medicine, Sinai Health System
Classification: Likely pathogenic for Microcephaly 1, primary, autosomal recessive. Last evaluated: 2023-03-09. Review status: criteria provided, single submitter. Criteria: ACMG Guidelines, 2015. Collection method: research. Allele origin: germline.

Genetic Services Laboratory, University of Chicago
Classification: Pathogenic for Microcephaly 1, primary, autosomal recessive. Last evaluated: 2017-05-01. Review status: criteria provided, single submitter. Criteria: ACMG Guidelines, 2015. Collection method: clinical testing. Allele origin: germline. Affected: yes.

Eurofins Ntd Llc (ga)
Classification: Pathogenic. Last evaluated: 2016-01-21. Review status: criteria provided, single submitter. Criteria: EGL Classification Definitions 2015. Collection method: clinical testing. Allele origin: germline. Observed: 1 variant allele, 1 heterozygote.

Juno Genomics, Hangzhou Juno Genomics, Inc
Classification: Likely pathogenic for Microcephaly 1, primary, autosomal recessive. Review status: criteria provided, single submitter. Criteria: ACMG Guidelines, 2015. Collection method: clinical testing. Allele origin: germline.
Comment: Null variant in a gene where loss of function (LOF) is a known mechanism of disease.;Absent from controls (or at extremely low frequency if recessive) in Genome Aggregation Database.

PreventionGenetics, part of Exact Sciences
Classification: Uncertain significance for MCPH1-related condition. Last evaluated: 2023-10-25. Review status: no assertion criteria provided. Collection method: clinical testing. Allele origin: germline. Not counted in ClinVar's aggregate classification.
Comment: The MCPH1 c.2145G>A variant is predicted to result in premature protein termination (p.Trp715*). This variant was reported in an individual with transposition of the great arteries (Table 1, Blue et al 2022. PubMed ID: 34670123). This variant is reported in 0.024% of alleles in individuals of European (Non-Finnish) descent in gnomAD. Protein-truncating variants in this gene have been reported as causative for autosomal recessive primary microcephaly type one; however, there are no reported causative protein-truncating variants 3’ of the c.2145G>A variant (Human Gene Mutation Database). Although we suspect that this variant may be pathogenic, at this time, the clinical significance of this variant is uncertain due to the absence of conclusive functional and genetic evidence.

Centre de Biologie Pathologie Génétique, Centre Hospitalier Universitaire de Lille
Classification: Uncertain significance for Intellectual disability. Last evaluated: 2019-01-01. Review status: no assertion criteria provided. Collection method: clinical testing. Allele origin: unknown. Affected: yes. Not counted in ClinVar's aggregate classification.

Literature cited by the submitters: PubMed 34670123 (cited by Women's Health and Genetics/Laboratory Corporation of America, LabCorp and Labcorp Genetics (formerly Invitae), Labcorp).